The following is an entry in ClinVar:

ClinVar aggregate classification (germline): Conflicting classifications of pathogenicity. Review status: criteria provided, conflicting classifications (1 of 4 stars). 8 submissions from 8 submitters: Uncertain significance (6); Likely benign (1). 1 of the submissions does not count toward it. Last evaluated 2025-09-29.

Conditions:
Hereditary cancer-predisposing syndrome. Also called: Hereditary neoplastic syndrome; Hereditary Cancer Syndrome; Neoplastic Syndromes, Hereditary; Tumor predisposition. Identifiers: Orphanet 140162, MedGen C0027672, MeSH D009386, MONDO:0015356.
Familial cancer of breast. Also called: hereditary breast carcinoma; Hereditary breast cancer; BREAST CANCER, FAMILIAL. Identifiers: Orphanet 227535, MedGen C0346153, MONDO:0016419, OMIM 114480. Disease mechanism: loss of function.
Ataxia-telangiectasia syndrome (AT). Also called: Ataxia-telangiectasia, complementation group D; Cerebello-oculocutaneous telangiectasia; Immunodeficiency with ataxia telangiectasia; ATAXIA-TELANGIECTASIA, COMPLEMENTATION GROUP A; ATAXIA-TELANGIECTASIA, FRESNO VARIANT; LOUIS-BAR SYNDROME. Identifiers: Orphanet 100, MedGen C0004135, MONDO:0008840, OMIM 208900.

Allele frequency attached by ClinVar (database versions not stated): gnomAD exomes below 0.00001 and 0.00001; gnomAD 0.00001; ExAC 0.00002; 1000 Genomes Project 30x 0.00031; 1000 Genomes Project 0.00040.
gnomAD v4.1: 11 of 1,613,358 alleles (0.00068%); highest among the groups gnomAD compares: South Asian, 0.012%; no homozygotes.

Submissions (8):

Ambry Genetics
Classification: Uncertain significance for Hereditary cancer-predisposing syndrome. Last evaluated: 2025-09-29. Review status: criteria provided, single submitter. Criteria: Ambry Variant Classification Scheme 2023. Collection method: clinical testing. Allele origin: germline.
Comment: The p.L432Q variant (also known as c.1295T>A), located in coding exon 9 of the ATM gene, results from a T to A substitution at nucleotide position 1295. The leucine at codon 432 is replaced by glutamine, an amino acid with dissimilar properties. This amino acid position is well conserved in available vertebrate species. In addition, the in silico prediction for this alteration is inconclusive. Based on the available evidence, the clinical significance of this variant remains unclear.

Labcorp Genetics (formerly Invitae), Labcorp
Classification: Likely benign for Ataxia-telangiectasia syndrome. Last evaluated: 2025-05-13. Review status: criteria provided, single submitter. Criteria: Invitae Variant Classification Sherloc (09022015). Collection method: clinical testing. Allele origin: germline.

Molecular Pathology, Peter Maccallum Cancer Centre
Classification: Uncertain significance for Ataxia-telangiectasia syndrome. Last evaluated: 2024-11-06. Review status: criteria provided, single submitter. Criteria: ACMG Guidelines, 2015. Collection method: clinical testing. Allele origin: germline. Inheritance: Autosomal recessive inheritance.

Baylor Genetics
Classification: Uncertain significance for Familial cancer of breast. Last evaluated: 2023-11-21. Review status: criteria provided, single submitter. Criteria: ACMG Guidelines, 2015. Collection method: clinical testing. Allele origin: unknown.

Athena Diagnostics
Classification: Uncertain significance. Last evaluated: 2023-02-08. Review status: criteria provided, single submitter. Criteria: Athena Diagnostics Criteria. Collection method: clinical testing. Allele origin: unknown.
Comment: Available data are insufficient to determine the clinical significance of the variant at this time. The frequency of this variant in the general population is uninformative in assessment of its pathogenicity. Computational tools predict that this variant is damaging.

GeneDx
Classification: Uncertain significance. Last evaluated: 2022-08-17. Review status: criteria provided, single submitter. Criteria: GeneDx Variant Classification Process June 2021. Collection method: clinical testing. Allele origin: germline. Affected: yes.
Comment: Not observed at significant frequency in large population cohorts (gnomAD); In silico analysis supports that this missense variant has a deleterious effect on protein structure/function; Has not been previously published as pathogenic or benign to our knowledge; This variant is associated with the following publications: (PMID: 33365035)

Color Diagnostics, LLC DBA Color Health
Classification: Uncertain significance for Hereditary cancer-predisposing syndrome. Last evaluated: 2021-08-04. Review status: criteria provided, single submitter. Criteria: ACMG Guidelines, 2015. Collection method: clinical testing. Allele origin: germline.
Comment: This missense variant replaces leucine with glutamine at codon 432 of the ATM protein. Computational prediction suggests that this variant may not impact protein structure and function (internally defined REVEL score threshold <= 0.5, PMID: 27666373). To our knowledge, functional studies have not been reported for this variant. This variant has not been reported in individuals affected with hereditary cancer in the literature. This variant has been identified in 1/250832 chromosomes in the general population by the Genome Aggregation Database (gnomAD). The available evidence is insufficient to determine the role of this variant in disease conclusively. Therefore, this variant is classified as a Variant of Uncertain Significance.

Natera, Inc.
Classification: Uncertain significance for Ataxia-telangiectasia. Last evaluated: 2020-09-16. Review status: no assertion criteria provided. Collection method: clinical testing. Allele origin: germline. Not counted in ClinVar's aggregate classification.

Literature cited by the submitters: PubMed 33365035 (cited by Athena Diagnostics).

NM_000051.4(ATM):c.1295T>A (p.Leu432Gln)

Gene: ATM (ATM serine/threonine kinase; plus strand). Cytogenetic location: 11q22.3.
Variant type: single nucleotide variant.
Coding change: c.1295T>A on transcript NM_000051.4 (MANE Select); coding-DNA position 1295, T replaced by A.
Protein change: p.Leu432Gln; replaces leucine 432 with glutamine.
Molecular consequence: missense variant.
Genome position (GRCh38, 1-based): chr11:108,250,760, T>A. VCF-style: chr11-108250760-T-A. GRCh37 (hg19) VCF-style: chr11-108121487-T-A.
Other names: c.1295T>A, p.Leu432Gln (NM_001351834.2); short protein forms L432Q.
Identifiers: ClinVar variation 423251 (VCV000423251.24), dbSNP rs546621356, ClinGen allele CA6264797.